The following is an entry in ClinVar:

ClinVar aggregate classification (germline): Conflicting classifications of pathogenicity. Review status: criteria provided, conflicting classifications (1 of 4 stars). 4 submissions from 4 submitters: Likely pathogenic (3); Uncertain significance (1). Last evaluated 2026-09-01.

Conditions:
Hypophosphatasia. Also called: Phosphoethanol-aminuria. Identifiers: Orphanet 436, MedGen C0020630, MeSH D007014, MONDO:0018570.
Adult hypophosphatasia. Identifiers: Orphanet 247676, Orphanet 436, MedGen C0268413, MONDO:1010154, OMIM 146300, MONDO:0007798.
Childhood hypophosphatasia. Identifiers: Orphanet 247667, Orphanet 436, MedGen C0220743, MONDO:1010168, OMIM 241510, MONDO:0009428.
Infantile hypophosphatasia. Identifiers: Orphanet 247651, Orphanet 436, MedGen C0268412, MONDO:1010169, OMIM 241500, MONDO:0009427.

Allele frequency attached by ClinVar (database versions not stated): gnomAD exomes below 0.00001.

Submissions (4):

Genomenon, Inc
Classification: Likely pathogenic for Hypophosphatasia. Last evaluated: 2026-09-01. Review status: criteria provided, single submitter. Criteria: Genomenon Sequence Variant Interpretation Standards - Updated. Collection method: curation. Allele origin: germline. Affected: no.
Comment: ALPL p.Lys99Glu (c.295A>G) is a missense variant that changes the amino acid at codon 99 from Lysine to Glutamic acid. To our knowledge, this variant has not been reported in patients affected with an ALPL-related disorder in the published literature. At least one functional study has demonstrated a substantial alteration in protein function relative to the wild-type (PMID:40386289). It is absent or not present at a significant frequency in gnomAD. In silico models predict that this variant is possibly or probably damaging. In conclusion, we classify ALPL p.Lys99Glu (c.295A>G) as a likely pathogenic variant.

Labcorp Genetics (formerly Invitae), Labcorp
Classification: Uncertain significance. Last evaluated: 2025-02-05. Review status: criteria provided, single submitter. Criteria: Invitae Variant Classification Sherloc (09022015). Collection method: clinical testing. Allele origin: germline.
Comment: This sequence change replaces lysine, which is basic and polar, with glutamic acid, which is acidic and polar, at codon 99 of the ALPL protein (p.Lys99Glu). This variant is not present in population databases (gnomAD no frequency). This variant has not been reported in the literature in individuals affected with ALPL-related conditions. ClinVar contains an entry for this variant (Variation ID: 2009190). An algorithm developed to predict the effect of missense changes on protein structure and function (PolyPhen-2) suggests that this variant is likely to be tolerated. In summary, the available evidence is currently insufficient to determine the role of this variant in disease. Therefore, it has been classified as a Variant of Uncertain Significance.

JKU Lab, Dept of Paediatrics, Johannes Kepler University
Classification: Likely pathogenic for Hypophosphatasia. Last evaluated: 2022-10-19. Review status: criteria provided, single submitter. Criteria: ACMG Guidelines, 2015. Collection method: clinical testing. Allele origin: germline. Affected: yes. Observed: 1 heterozygote.
Comment: Absent in GnomAD. Functional testing at the JKU lab showed reduced ALP residual activity. The functional test results and ACMG criteria applied can be looked up in the ALPL gene variant database.

Juno Genomics, Hangzhou Juno Genomics, Inc
Classification: Likely pathogenic for Adult hypophosphatasia; Childhood hypophosphatasia; Infantile hypophosphatasia. Review status: criteria provided, single submitter. Criteria: ACMG Guidelines, 2015. Collection method: clinical testing. Allele origin: germline. Affected: yes.
Comment: Absent from controls (or at extremely low frequency if recessive) in Genome Aggregation Database, Exome Sequencing Project, 1000 Genomes Project, or Exome Aggregation Consortium.;Multiple lines of computational evidence support a deleterious effect on the gene or gene product (conservation, evolutionary, splicing impact, etc).;For recessive disorders, detected in trans with a pathogenic variant.

Literature cited by the submitters: PubMed 40386289 (cited by Genomenon, Inc).

NM_000478.6(ALPL):c.295A>G (p.Lys99Glu)

Gene: ALPL (alkaline phosphatase, biomineralization associated; plus strand). Cytogenetic location: 1p36.12.
Variant type: single nucleotide variant.
Coding change: c.295A>G on transcript NM_000478.6 (MANE Select); coding-DNA position 295, A replaced by G.
Protein change: p.Lys99Glu; replaces lysine 99 with glutamic acid.
Molecular consequence: missense variant. On other transcripts: intron variant (1).
Genome position (GRCh38, 1-based): chr1:21,561,210, A>G. VCF-style: chr1-21561210-A-G. GRCh37 (hg19) VCF-style: chr1-21887703-A-G.
Other names: c.130A>G, p.Lys44Glu (NM_001127501.4); c.295A>G, p.Lys99Glu (NM_001369803.2, NM_001369804.2, NM_001369805.2); c.66+465A>G (NM_001177520.3); short protein forms K44E, K99E.
Identifiers: ClinVar variation 2009190 (VCV002009190.7), dbSNP rs2148152698, ClinGen allele CA338878271.